The following is an entry in ClinVar:

ClinVar aggregate classification (germline): Uncertain significance (1 of 4 stars; one submission).

Allele frequency attached by ClinVar (database versions not stated): gnomAD exomes below 0.00001; TOPMed below 0.00001; ExAC 0.00001.
gnomAD v4.1: 2 of 1,613,240 alleles (0.00012%); highest among the groups gnomAD compares: Non-Finnish European, 0.000085%; no homozygotes.

Submission:

Labcorp Genetics (formerly Invitae), Labcorp
Classification: Uncertain significance. Last evaluated: 2023-07-07. Review status: criteria provided, single submitter. Criteria: Invitae Variant Classification Sherloc (09022015). Collection method: clinical testing. Allele origin: germline.
Comment: ClinVar contains an entry for this variant (Variation ID: 2070615). Experimental studies and prediction algorithms are not available or were not evaluated, and the functional significance of this variant is currently unknown. In summary, the available evidence is currently insufficient to determine the role of this variant in disease. Therefore, it has been classified as a Variant of Uncertain Significance. This variant has not been reported in the literature in individuals affected with COL18A1-related conditions. This sequence change replaces glycine, which is neutral and non-polar, with glutamic acid, which is acidic and polar, at codon 720 of the COL18A1 protein (p.Gly720Glu). This variant is present in population databases (rs768654276, gnomAD 0.0009%).

NM_001379500.1(COL18A1):c.2159G>A (p.Gly720Glu)

Gene: COL18A1 (collagen type XVIII alpha 1 chain; plus strand). Cytogenetic location: 21q22.3.
Variant type: single nucleotide variant.
Coding change: c.2159G>A on transcript NM_001379500.1 (MANE Select); coding-DNA position 2159, G replaced by A.
Protein change: p.Gly720Glu; replaces glycine 720 with glutamic acid.
Molecular consequence: missense variant.
Genome position (GRCh38, 1-based): chr21:45,492,536, G>A. VCF-style: chr21-45492536-G-A. GRCh37 (hg19) VCF-style: chr21-46912450-G-A.
Other names: c.2699G>A, p.Gly900Glu (NM_030582.4); c.3404G>A, p.Gly1135Glu (NM_130444.3); short protein forms G1135E, G720E, G900E.
Identifiers: ClinVar variation 2070615 (VCV002070615.4), dbSNP rs768654276, ClinGen allele CA10066864.